The following is an entry in ClinVar:

NM_000059.4(BRCA2):c.8562T>A (p.Tyr2854Ter)

Gene: BRCA2 (BRCA2 DNA repair associated; plus strand). Cytogenetic location: 13q13.1.
Variant type: single nucleotide variant.
Coding change: c.8562T>A on transcript NM_000059.4 (MANE Select); coding-DNA position 8562, T replaced by A.
Protein change: p.Tyr2854Ter; replaces tyrosine 2854 with a stop codon.
Molecular consequence: nonsense.
Genome position (GRCh38, 1-based): chr13:32,371,030, T>A. VCF-style: chr13-32371030-T-A. GRCh37 (hg19) VCF-style: chr13-32945167-T-A.
Other names: short protein forms Y2854*.
Identifiers: ClinVar variation 531220 (VCV000531220.10), dbSNP rs786201333, ClinGen allele CA387752802.
Genomic context (GRCh38, chr13:32,371,030, plus strand): 5'-ATCATCTGGATTATACATATTTCGCAATGAAAGAGAGGAAGAAAAGGAAGCAGCAAAATA[T>A]GTGGAGGCCCAACAAAAGAGACTAGAAGCCTTATTCACTAAAATTCAGGAGGAATTTGAA-3'

ClinVar aggregate classification (germline): Pathogenic. Review status: criteria provided, multiple submitters, no conflicts (2 of 4 stars). 2 submissions from 2 submitters: Pathogenic (2). Last evaluated 2024-12-12.

Conditions:
Hereditary breast ovarian cancer syndrome. Also called: Hereditary breast and ovarian cancer syndrome (HBOC); BRCA1- and BRCA2-Associated Hereditary Breast and Ovarian Cancer; Hereditary breast and ovarian cancer syndrome; Breast and ovarian cancer; Hereditary breast and ovarian cancer; Hereditary breast and/or ovarian cancer syndrome. Identifiers: Orphanet 145, MedGen C0677776, MeSH D061325, MONDO:0003582. Disease mechanism: loss of function.
Hereditary cancer-predisposing syndrome. Also called: Hereditary neoplastic syndrome; Neoplastic Syndromes, Hereditary; Tumor predisposition; Hereditary Cancer Syndrome. Identifiers: Orphanet 140162, MedGen C0027672, MeSH D009386, MONDO:0015356.

Submissions (2):

Labcorp Genetics (formerly Invitae), Labcorp
Classification: Pathogenic for Hereditary breast ovarian cancer syndrome. Last evaluated: 2024-12-12. Review status: criteria provided, single submitter. Criteria: Invitae Variant Classification Sherloc (09022015). Collection method: clinical testing. Allele origin: germline.
Comment: This sequence change creates a premature translational stop signal (p.Tyr2854*) in the BRCA2 gene. It is expected to result in an absent or disrupted protein product. Loss-of-function variants in BRCA2 are known to be pathogenic (PMID: 20104584). This variant is not present in population databases (gnomAD no frequency). This variant has not been reported in the literature in individuals affected with BRCA2-related conditions. ClinVar contains an entry for this variant (Variation ID: 531220). Algorithms developed to predict the effect of sequence changes on RNA splicing suggest that this variant may disrupt the consensus splice site. For these reasons, this variant has been classified as Pathogenic.

Ambry Genetics
Classification: Pathogenic for Hereditary cancer-predisposing syndrome. Last evaluated: 2023-05-31. Review status: criteria provided, single submitter. Criteria: Ambry Variant Classification Scheme 2023. Collection method: clinical testing. Allele origin: germline.
Comment: The p.Y2854* pathogenic mutation (also known as c.8562T>A), located in coding exon 19 of the BRCA2 gene, results from a T to A substitution at nucleotide position 8562. This changes the amino acid from a tyrosine to a stop codon within coding exon 19. This alteration is expected to result in loss of function by premature protein truncation or nonsense-mediated mRNA decay. As such, this alteration is interpreted as a disease-causing mutation.

Literature cited by the submitters: PubMed 20104584 (cited by Labcorp Genetics (formerly Invitae), Labcorp).